The following is an entry in ClinVar:

NM_006031.6(PCNT):c.6494A>G (p.Asn2165Ser)

Gene: PCNT (pericentrin; plus strand). Cytogenetic location: 21q22.3.
Variant type: single nucleotide variant.
Coding change: c.6494A>G on transcript NM_006031.6 (MANE Select); coding-DNA position 6494, A replaced by G.
Protein change: p.Asn2165Ser; replaces asparagine 2165 with serine.
Molecular consequence: missense variant.
Genome position (GRCh38, 1-based): chr21:46,416,412, A>G. VCF-style: chr21-46416412-A-G. GRCh37 (hg19) VCF-style: chr21-47836326-A-G.
Other names: c.6140A>G, p.Asn2047Ser (NM_001315529.2); short protein forms N2165S, N2047S.
Identifiers: ClinVar variation 2716627 (VCV002716627.3), dbSNP rs756308380, ClinGen allele CA10080344.

ClinVar aggregate classification (germline): Uncertain significance (1 of 4 stars; one submission).

Allele frequency attached by ClinVar (database versions not stated): gnomAD exomes below 0.00001; ExAC 0.00002.
gnomAD v4.1: 5 of 1,614,220 alleles (0.00031%); highest among the groups gnomAD compares: Non-Finnish European, 0.00042%; no homozygotes.

Submission:

Labcorp Genetics (formerly Invitae), Labcorp
Classification: Uncertain significance. Last evaluated: 2023-12-01. Review status: criteria provided, single submitter. Criteria: Invitae Variant Classification Sherloc (09022015). Collection method: clinical testing. Allele origin: germline.
Comment: This sequence change replaces asparagine, which is neutral and polar, with serine, which is neutral and polar, at codon 2165 of the PCNT protein (p.Asn2165Ser). This variant is present in population databases (rs756308380, gnomAD 0.002%). This variant has not been reported in the literature in individuals affected with PCNT-related conditions. Algorithms developed to predict the effect of missense changes on protein structure and function output the following: SIFT: "Not Available"; PolyPhen-2: "Benign"; Align-GVGD: "Not Available". The serine amino acid residue is found in multiple mammalian species, which suggests that this missense change does not adversely affect protein function. In summary, the available evidence is currently insufficient to determine the role of this variant in disease. Therefore, it has been classified as a Variant of Uncertain Significance.